The following is an entry in ClinVar:

NM_001174147.2(LMX1B):c.*1574G>T

Gene: LMX1B (LIM homeobox transcription factor 1 beta; plus strand). Cytogenetic location: 9q33.3.
Variant type: single nucleotide variant.
Coding change: c.*1574G>T on transcript NM_001174147.2 (MANE Select); 1574 bases downstream of the stop codon, G replaced by T.
Molecular consequence: 3 prime UTR variant.
Genome position (GRCh38, 1-based): chr9:126,698,025, G>T. VCF-style: chr9-126698025-G-T. GRCh37 (hg19) VCF-style: chr9-129460304-G-T.
Other names: c.*1574G>T (NM_001174146.2, NM_002316.4).
Identifiers: ClinVar variation 364934 (VCV000364934.5), dbSNP rs148173186, ClinGen allele CA10632449.

ClinVar aggregate classification (germline): Benign (1 of 4 stars; one submission).

Conditions:
Nail-patella syndrome (NPS). Also called: FONG DISEASE; ONYCHOOSTEODYSPLASIA; TURNER-KIESER SYNDROME. Identifiers: Orphanet 2614, MedGen C0027341, MONDO:0008061, OMIM 161200.

Allele frequency attached by ClinVar (database versions not stated): gnomAD 0.01517; 1000 Genomes Project 0.01538; 1000 Genomes Project 30x 0.01562; TOPMed 0.01661.

Submission:

Illumina Laboratory Services, Illumina
Classification: Benign for Nail-patella syndrome. Last evaluated: 2018-01-13. Review status: criteria provided, single submitter. Criteria: ICSL Variant Classification Criteria 13 December 2019. Collection method: clinical testing. Allele origin: germline.
Comment: This variant was observed in the ICSL laboratory as part of a predisposition screen in an ostensibly healthy population. It had not been previously curated by ICSL or reported in the Human Gene Mutation Database (HGMD: prior to June 1st, 2018), and was therefore a candidate for classification through an automated scoring system. Utilizing variant allele frequency, disease prevalence and penetrance estimates, and inheritance mode, an automated score was calculated to assess if this variant is too frequent to cause the disease. Based on the score and internal cut-off values, a variant classified as benign is not then subjected to further curation. The score for this variant resulted in a classification of benign for this disease.